The following is an entry in ClinVar:

NM_001035.3(RYR2):c.14403_14410dup (p.Met4804fs)

Gene: RYR2 (ryanodine receptor 2; plus strand). Cytogenetic location: 1q43.
Variant type: Duplication.
Coding change: c.14403_14410dup on transcript NM_001035.3 (MANE Select); coding-DNA positions 14403 to 14410, 8 bases duplicated (ACCAGATA; older notation c.14403_14410dupACCAGATA).
Protein change: p.Met4804fs; shifts the reading frame from methionine 4804.
Molecular consequence: frameshift variant.
Genome position (GRCh38, 1-based): chr1:237,809,005-237,809,012, ACCAGATA duplicated. VCF-style (leftmost placement, unchanged base first): chr1-237809004-C-CACCAGATA. GRCh37 (hg19) VCF-style: chr1-237972304-C-CACCAGATA.
Other names: short protein forms M4804fs.
Identifiers: ClinVar variation 4827610 (VCV004827610.1).
Genomic context (GRCh38, chr1:237,809,004, plus strand): 5'-ACACTGTGGTGGCATTCAATTTTTTCCGAAAATTCTACAATAAAAGTGAAGATGGTGATA[C>CACCAGATA]ACCAGATATGAAATGTGACGATATGCTAACAGTAAGTTCATAACCTTTGATCTCACATAA-3'

ClinVar aggregate classification (germline): Uncertain significance (1 of 4 stars; one submission).

Conditions:
Cardiovascular phenotype. Identifiers: MedGen CN230736.

Submission:

Ambry Genetics
Classification: Uncertain significance for Cardiovascular phenotype. Last evaluated: 2026-03-02. Review status: criteria provided, single submitter. Criteria: Ambry Variant Classification Scheme 2023. Collection method: clinical testing. Allele origin: germline.
Comment: The c.14403_14410dupACCAGATA variant, located in coding exon 100 of the RYR2 gene, results from a duplication of ACCAGATA at nucleotide position 14403, causing a translational frameshift with a predicted alternate stop codon (p.M4804Nfs*4). This variant is expected to result in protein truncation or nonsense-mediated mRNA decay. However, loss of function has not been established as a mechanism of disease. Based on the available evidence, the clinical significance of this variant remains unclear.